The following is an entry in ClinVar:

ClinVar aggregate classification (germline): Uncertain significance (1 of 4 stars; one submission).

Submission:

GeneDx
Classification: Uncertain significance. Last evaluated: 2026-02-26. Review status: criteria provided, single submitter. Criteria: GeneDx Variant Classification Process June 2021. Collection method: clinical testing. Allele origin: germline.
Comment: Not observed at significant frequency in large population cohorts (gnomAD); In silico analysis suggests that this missense variant does not alter protein structure/function; Has not been previously published as pathogenic or benign to our knowledge

NM_001252102.2(KIF21B):c.2487G>A (p.Met829Ile)

Gene: KIF21B (kinesin family member 21B; minus strand). Cytogenetic location: 1q32.1.
Variant type: single nucleotide variant.
Coding change: c.2487G>A on transcript NM_001252102.2 (MANE Select); coding-DNA position 2487, G replaced by A.
Protein change: p.Met829Ile; replaces methionine 829 with isoleucine.
Molecular consequence: missense variant.
Genome position (GRCh38, 1-based): chr1:200,991,117, C>T on the plus strand (G>A on the coding strand, the complement: KIF21B is on the minus strand). VCF-style: chr1-200991117-C-T. GRCh37 (hg19) VCF-style: chr1-200960245-C-T.
Other names: c.2487G>A, p.Met829Ile (NM_001252100.2, NM_001252103.2, NM_017596.4); short protein forms M829I.
Identifiers: ClinVar variation 5008008 (VCV005008008.1).